The following is an entry in ClinVar:

NM_017514.5(PLXNA3):c.3915C>A (p.Arg1305=)

Gene: PLXNA3 (plexin A3; plus strand). Cytogenetic location: Xq28.
Variant type: single nucleotide variant.
Coding change: c.3915C>A on transcript NM_017514.5 (MANE Select); coding-DNA position 3915, C replaced by A.
Protein change: p.Arg1305=; no amino-acid change (arginine 1305 retained).
Molecular consequence: synonymous variant.
Genome position (GRCh38, 1-based): chrX:154,468,176, C>A. VCF-style: chrX-154468176-C-A. GRCh37 (hg19) VCF-style: chrX-153696519-C-A.
Identifiers: ClinVar variation 4985165 (VCV004985165.1).

ClinVar aggregate classification (germline): Likely benign (1 of 4 stars; one submission).

Conditions:
PLXNA3-related disorder. Also called: PLXNA3-related condition.

gnomAD v4.1: 61 of 1,185,115 alleles (0.0051%); highest among the groups gnomAD compares: Non-Finnish European, 0.0068%; no homozygotes.

Submission:

PreventionGenetics, part of Exact Sciences
Classification: Likely benign for PLXNA3-related condition. Last evaluated: 2025-01-29. Review status: criteria provided, single submitter. Criteria: ACMG Guidelines, 2015. Collection method: clinical testing. Allele origin: germline.
Comment: This variant is classified as likely benign based on ACMG/AMP sequence variant interpretation guidelines (Richards et al. 2015 PMID: 25741868, with internal and published modifications).